The following is an entry in ClinVar:

NM_004519.4(KCNQ3):c.2485del (p.Glu829fs)

Gene: KCNQ3 (potassium voltage-gated channel subfamily Q member 3; minus strand). Cytogenetic location: 8q24.22.
Variant type: Deletion.
Coding change: c.2485del on transcript NM_004519.4 (MANE Select); coding-DNA position 2485, one base deleted (G; older notation c.2485delG).
Protein change: p.Glu829fs; shifts the reading frame from glutamic acid 829.
Molecular consequence: frameshift variant.
Genome position (GRCh38, 1-based): chr8:132,129,396, C deleted on the plus strand (G on the coding strand, the reverse complement: KCNQ3 is on the minus strand); the first of 3 consecutive C bases (chr8:132,129,396-132,129,398); deleting any one gives the same sequence. VCF-style (leftmost placement, unchanged base first): chr8-132129395-TC-T. GRCh37 (hg19) VCF-style: chr8-133141642-TC-T.
Other names: c.2125del, p.Glu709fs (NM_001204824.2); short protein forms E709fs, E829fs.
Identifiers: ClinVar variation 2707138 (VCV002707138.3), dbSNP rs2536856361, ClinGen allele CA2697550125.

ClinVar aggregate classification (germline): Uncertain significance (1 of 4 stars; one submission).

Conditions:
Benign neonatal seizures. Also called: Convulsions benign familial neonatal dominant form; Autosomal dominant form of benign neonatal seizures; Benign familial neonatal seizures; Benign familial neonatal epilepsy; Benign neonatal familial convulsions. Identifiers: Orphanet 1949, MedGen C0220669, MONDO:0016027.

Submission:

Labcorp Genetics (formerly Invitae), Labcorp
Classification: Uncertain significance for Benign neonatal seizures. Last evaluated: 2024-08-12. Review status: criteria provided, single submitter. Criteria: Invitae Variant Classification Sherloc (09022015). Collection method: clinical testing. Allele origin: germline.
Comment: This sequence change results in a frameshift in the KCNQ3 gene (p.Glu829Argfs*115). While this is not anticipated to result in nonsense mediated decay, it is expected to disrupt the last 44 amino acid(s) of the KCNQ3 protein and extend the protein by 70 additional amino acid residues. This variant is not present in population databases (gnomAD no frequency). This variant has not been reported in the literature in individuals affected with KCNQ3-related conditions. Experimental studies and prediction algorithms are not available or were not evaluated, and the functional significance of this variant is currently unknown. In summary, the available evidence is currently insufficient to determine the role of this variant in disease. Therefore, it has been classified as a Variant of Uncertain Significance.